The following is an entry in ClinVar:

ClinVar aggregate classification (germline): Uncertain significance (1 of 4 stars; one submission).

Conditions:
Inborn genetic diseases. Identifiers: MedGen C0950123, MeSH D030342.

Submission:

Ambry Genetics
Classification: Uncertain significance for Inborn genetic diseases. Last evaluated: 2025-02-06. Review status: criteria provided, single submitter. Criteria: Ambry Variant Classification Scheme 2023. Collection method: clinical testing. Allele origin: germline.
Comment: The p.S2004L variant (also known as c.6011C>T), located in coding exon 23 of the FANCM gene, results from a C to T substitution at nucleotide position 6011. The serine at codon 2004 is replaced by leucine, an amino acid with dissimilar properties. This amino acid position is conserved. In addition, this alteration is predicted to be deleterious by in silico analysis. Based on the available evidence, the clinical significance of this variant remains unclear.

NM_020937.4(FANCM):c.6011C>T (p.Ser2004Leu)

Gene: FANCM (FA complementation group M; plus strand). Cytogenetic location: 14q21.2.
Variant type: single nucleotide variant.
Coding change: c.6011C>T on transcript NM_020937.4 (MANE Select); coding-DNA position 6011, C replaced by T.
Protein change: p.Ser2004Leu; replaces serine 2004 with leucine.
Molecular consequence: missense variant.
Genome position (GRCh38, 1-based): chr14:45,199,872, C>T. VCF-style: chr14-45199872-C-T. GRCh37 (hg19) VCF-style: chr14-45669075-C-T.
Other names: c.5933C>T, p.Ser1978Leu (NM_001308133.2); short protein forms S1978L, S2004L.
Identifiers: ClinVar variation 3848704 (VCV003848704.1).